The following is an entry in ClinVar:

NM_002454.3(MTRR):c.1499T>G (p.Val500Gly)

Gene: MTRR (5-methyltetrahydrofolate-homocysteine methyltransferase reductase; plus strand). Cytogenetic location: 5p15.31.
Variant type: single nucleotide variant.
Coding change: c.1499T>G on transcript NM_002454.3 (MANE Select); coding-DNA position 1499, T replaced by G.
Protein change: p.Val500Gly; replaces valine 500 with glycine.
Molecular consequence: missense variant. On other transcripts: non-coding transcript variant (14).
Genome position (GRCh38, 1-based): chr5:7,892,855, T>G. VCF-style: chr5-7892855-T-G. GRCh37 (hg19) VCF-style: chr5-7892968-T-G.
Other names: c.1499T>G, p.Val500Gly (NM_001364440.2, NM_001364441.2, NM_001364442.2 and 1 more transcripts); short protein forms V500G.
Identifiers: ClinVar variation 2196637 (VCV002196637.1), dbSNP rs2479103335, ClinGen allele CA359159046.
Genomic context (GRCh38, chr5:7,892,855, plus strand): 5'-CAACAGAGGTTCTGCGGAAGGGAGTATGTACAGGCTGGCTGGCCTTGTTGGTTGCTTCAG[T>G]TCTTCAGCCAAACATACATGCATCCCATGAAGACAGCGGGAAAGCCCTGGCTCCTAAGGT-3'
Protein context (NP_002445.2, residues 490-510): TGWLALLVAS[Val500Gly]LQPNIHASHE

ClinVar aggregate classification (germline): Uncertain significance (1 of 4 stars; one submission).

Conditions:
Methylcobalamin deficiency type cblE (HMAE). Also called: VITAMIN B12-RESPONSIVE HOMOCYSTINURIA, cblE TYPE; HOMOCYSTINURIA-MEGALOBLASTIC ANEMIA, cblE COMPLEMENTATION TYPE; HOMOCYSTINURIA-MEGALOBLASTIC ANEMIA, cblE TYPE. Identifiers: Orphanet 2169, Orphanet 622, MedGen C1856057, MONDO:0009354, OMIM 236270.

Allele frequency attached by ClinVar (database versions not stated): gnomAD exomes below 0.00001.
gnomAD v4.1: 5 of 1,614,224 alleles (0.00031%); highest among the groups gnomAD compares: Non-Finnish European, 0.00042%; no homozygotes.

Submission:

Labcorp Genetics (formerly Invitae), Labcorp
Classification: Uncertain significance for Methylcobalamin deficiency type cblE. Last evaluated: 2022-01-08. Review status: criteria provided, single submitter. Criteria: Invitae Variant Classification Sherloc (09022015). Collection method: clinical testing. Allele origin: germline.
Comment: This sequence change replaces valine, which is neutral and non-polar, with glycine, which is neutral and non-polar, at codon 500 of the MTRR protein (p.Val500Gly). This variant is not present in population databases (gnomAD no frequency). This variant has not been reported in the literature in individuals affected with MTRR-related conditions. Algorithms developed to predict the effect of missense changes on protein structure and function are either unavailable or do not agree on the potential impact of this missense change (SIFT: "Deleterious"; PolyPhen-2: "Benign"; Align-GVGD: "Class C0"). Algorithms developed to predict the effect of sequence changes on RNA splicing suggest that this variant may create or strengthen a splice site. In summary, the available evidence is currently insufficient to determine the role of this variant in disease. Therefore, it has been classified as a Variant of Uncertain Significance.